The following is an entry in ClinVar:

NM_000038.6(APC):c.2369_2370dup (p.His791fs)

Gene: APC (APC regulator of Wnt signaling pathway; plus strand). Cytogenetic location: 5q22.2.
Variant type: Microsatellite.
Coding change: c.2369_2370dup on transcript NM_000038.6 (MANE Select); coding-DNA positions 2369 to 2370, 2 bases duplicated (GA; older notation c.2369_2370dupGA).
Protein change: p.His791fs; shifts the reading frame from histidine 791.
Molecular consequence: frameshift variant.
Genome position (GRCh38, 1-based): chr5:112,837,963-112,837,964, GA duplicated; duplicating any 2 consecutive bases within chr5:112,837,960-112,837,964 gives the same sequence; the c. name uses the placement nearest the transcript's 3' end. VCF-style (leftmost placement, unchanged base first): chr5-112837959-C-CAG. GRCh37 (hg19) VCF-style: chr5-112173656-C-CAG.
Other names: c.2369_2370dup, p.His791fs (NM_001127510.3, NM_001354895.2); c.2315_2316dup, p.His773fs (NM_001127511.3); c.2423_2424dup, p.His809fs (NM_001354896.2); c.2399_2400dup, p.His801fs (NM_001354897.2); c.2294_2295dup, p.His766fs (NM_001354898.2); c.2285_2286dup, p.His763fs (NM_001354899.2); c.2246_2247dup, p.His750fs (NM_001354900.2); c.2192_2193dup, p.His732fs (NM_001354901.2); and 5 more; short protein forms H508fs, H631fs, H665fs, H763fs, H690fs, H750fs, H791fs, H801fs.
Identifiers: ClinVar variation 537495 (VCV000537495.12), dbSNP rs1554084100, ClinGen allele CA658796573.

ClinVar aggregate classification (germline): Pathogenic (1 of 4 stars; one submission).

Conditions:
Familial adenomatous polyposis 1 (FAP1). Also called: FAMILIAL ADENOMATOUS POLYPOSIS 1, ATTENUATED; POLYPOSIS, ADENOMATOUS INTESTINAL. Identifiers: MedGen C2713442, MONDO:0021056, OMIM 175100. Disease mechanism: loss of function.

Submission:

Labcorp Genetics (formerly Invitae), Labcorp
Classification: Pathogenic for Familial adenomatous polyposis 1. Last evaluated: 2019-08-27. Review status: criteria provided, single submitter. Criteria: Invitae Variant Classification Sherloc (09022015). Collection method: clinical testing. Allele origin: germline.
Comment: A different truncation (p.Tyr2645Lysfs*14) that lies downstream of this variant has been determined to be pathogenic (PMID: 9824584, 1316610,27081525, 8381579, 22135120, Invitae). This suggests that deletion of this region of the APC protein is causative of disease. For these reasons, this variant has been classified as Pathogenic. This variant is expected to disrupt the EB1 and HDLG binding sites, which mediate interactions with the cytoskeleton (PMID: 15311282, 17293347). While functional studies have not been performed to directly test the effect on APC protein function, this suggests that disruption of the C-terminal portion of the protein is functionally important. This variant has not been reported in the literature in individuals with APC-related disease. ClinVar contains an entry for this variant (Variation ID: 537495). This variant is not present in population databases (ExAC no frequency). This sequence change results in a premature translational stop signal in the APC gene (p.His791Aspfs*30). While this is not anticipated to result in nonsense mediated decay, it is expected to disrupt the last 2023 amino acids of the APC protein.

Literature cited by the submitters: PubMed 9824584; PubMed 1316610; PubMed 27081525; PubMed 8381579; PubMed 22135120; PubMed 15311282; PubMed 17293347.